The following is an entry in ClinVar:

ClinVar aggregate classification (germline): Uncertain significance (1 of 4 stars; one submission).

Allele frequency attached by ClinVar (database versions not stated): gnomAD exomes below 0.00001.

Submission:

Labcorp Genetics (formerly Invitae), Labcorp
Classification: Uncertain significance. Last evaluated: 2023-07-07. Review status: criteria provided, single submitter. Criteria: Invitae Variant Classification Sherloc (09022015). Collection method: clinical testing. Allele origin: germline.
Comment: This sequence change replaces leucine, which is neutral and non-polar, with valine, which is neutral and non-polar, at codon 354 of the PIGV protein (p.Leu354Val). This variant is present in population databases (no rsID available, gnomAD 0.007%). This variant has not been reported in the literature in individuals affected with PIGV-related conditions. ClinVar contains an entry for this variant (Variation ID: 1501372). Advanced modeling of protein sequence and biophysical properties (such as structural, functional, and spatial information, amino acid conservation, physicochemical variation, residue mobility, and thermodynamic stability) performed at Invitae indicates that this missense variant is not expected to disrupt PIGV protein function. In summary, the available evidence is currently insufficient to determine the role of this variant in disease. Therefore, it has been classified as a Variant of Uncertain Significance.

NM_017837.4(PIGV):c.1060C>G (p.Leu354Val)

Gene: PIGV (phosphatidylinositol glycan anchor biosynthesis class V; plus strand). Cytogenetic location: 1p36.11.
Variant type: single nucleotide variant.
Coding change: c.1060C>G on transcript NM_017837.4 (MANE Select); coding-DNA position 1060, C replaced by G.
Protein change: p.Leu354Val; replaces leucine 354 with valine.
Molecular consequence: missense variant. On other transcripts: non-coding transcript variant (1), intron variant (1).
Genome position (GRCh38, 1-based): chr1:26,795,094, C>G. VCF-style: chr1-26795094-C-G. GRCh37 (hg19) VCF-style: chr1-27121585-C-G.
Other names: c.1060C>G, p.Leu354Val (NM_001202554.2, NM_001374478.1, NM_001374480.1 and 2 more transcripts); c.679C>G, p.Leu227Val (NM_001374483.1); c.433C>G, p.Leu145Val (NM_001374484.1, NM_001374485.1); c.79-2469C>G (NM_001374486.1); short protein forms L145V, L227V, L354V.
Identifiers: ClinVar variation 1501372 (VCV001501372.8), dbSNP rs1421801921, ClinGen allele CA339201616.
Genomic context (GRCh38, chr1:26,795,094, plus strand): 5'-GTGGCTATACTGGTTGCCTGGGCAACTTGGACATACGTGACCACTCACCCTTGGCTCTGC[C>G]TTACACTTGGGCTGCAAAGGAGCAAGAACAATAAGACCCTAGAGAAGCCCGATCTTGGAT-3'
Protein context (NP_060307.2, residues 344-364): TYVTTHPWLC[Leu354Val]TLGLQRSKNN